The following is an entry in ClinVar:

ClinVar aggregate classification (germline): Pathogenic (1 of 4 stars; one submission).

Conditions:
Familial thoracic aortic aneurysm and aortic dissection (TAAD). Also called: Thoracic aortic aneurysms and dissections. Identifiers: Orphanet 91387, MedGen C4707243, MONDO:0019625.
Marfan syndrome (MFS). Also called: MARFAN SYNDROME, TYPE I; Marfan syndrome type 1; Marfan's syndrome; Marfan syndrome, classic; FBN1-Related Marfan Syndrome. Identifiers: Orphanet 284963, Orphanet 558, MedGen C0024796, MONDO:0007947, OMIM 154700.

Submission:

Labcorp Genetics (formerly Invitae), Labcorp
Classification: Pathogenic for Marfan syndrome; Familial thoracic aortic aneurysm and aortic dissection. Last evaluated: 2022-03-19. Review status: criteria provided, single submitter. Criteria: Invitae Variant Classification Sherloc (09022015). Collection method: clinical testing. Allele origin: germline.
Comment: For these reasons, this variant has been classified as Pathogenic. This variant has not been reported in the literature in individuals affected with FBN1-related conditions. This variant is not present in population databases (gnomAD no frequency). This sequence change creates a premature translational stop signal (p.Glu400Aspfs*48) in the FBN1 gene. It is expected to result in an absent or disrupted protein product. Loss-of-function variants in FBN1 are known to be pathogenic (PMID: 17657824, 19293843).

Literature cited by the submitters: PubMed 17657824; PubMed 19293843.

NM_000138.5(FBN1):c.1200del (p.Glu400fs)

Gene: FBN1 (fibrillin 1; minus strand). Cytogenetic location: 15q21.1.
Variant type: Deletion.
Coding change: c.1200del on transcript NM_000138.5 (MANE Select); coding-DNA position 1200, one base deleted (A; older notation c.1200delA).
Protein change: p.Glu400fs; shifts the reading frame from glutamic acid 400.
Molecular consequence: frameshift variant.
Genome position (GRCh38, 1-based): chr15:48,516,310, T deleted on the plus strand (A on the coding strand, the reverse complement: FBN1 is on the minus strand); the first of 2 consecutive T bases (chr15:48,516,310-48,516,311); deleting either gives the same sequence. VCF-style (leftmost placement, unchanged base first): chr15-48516309-AT-A. GRCh37 (hg19) VCF-style: chr15-48808506-AT-A.
Other names: c.1199delA, p.Glu400Aspfs (NM_001406716.1); short protein forms E400fs.
Identifiers: ClinVar variation 2114632 (VCV002114632.4), dbSNP rs2505619800, ClinGen allele CA2580089707.